The following is an entry in ClinVar:

NM_018060.4(IARS2):c.1020T>G (p.Val340=)

Gene: IARS2 (isoleucyl-tRNA synthetase 2, mitochondrial; plus strand). Cytogenetic location: 1q41.
Variant type: single nucleotide variant.
Coding change: c.1020T>G on transcript NM_018060.4 (MANE Select); coding-DNA position 1020, T replaced by G.
Protein change: p.Val340=; no amino-acid change (valine 340 retained).
Molecular consequence: synonymous variant.
Genome position (GRCh38, 1-based): chr1:220,103,516, T>G. VCF-style: chr1-220103516-T-G. GRCh37 (hg19) VCF-style: chr1-220276858-T-G.
Identifiers: ClinVar variation 515205 (VCV000515205.1), dbSNP rs1553268086, ClinGen allele CA423151499.
Genomic context (GRCh38, chr1:220,103,516, plus strand): 5'-TGTGAAATGTTCTAAGTCTGGAGACCTCTACGTACTGGCGGCAGATAAAGTAGCATCTGT[T>G]GCTTCTACTTTGGAAACAACATTTGAGACTATTTCAACACTTTCAGGTGAAGATTTTTAG-3'
Protein context (NP_060530.3, residues 330-350): YVLAADKVAS[Val340=]ASTLETTFET

ClinVar aggregate classification (germline): Likely benign (1 of 4 stars; one submission).

Submission:

GeneDx
Classification: Likely benign. Last evaluated: 2018-02-21. Review status: criteria provided, single submitter. Criteria: GeneDx Variant Classification (06012015). Collection method: clinical testing. Allele origin: germline. Affected: yes.
Comment: This variant is considered likely benign or benign based on one or more of the following criteria: it is a conservative change, it occurs at a poorly conserved position in the protein, it is predicted to be benign by multiple in silico algorithms, and/or has population frequency not consistent with disease.